The following is an entry in ClinVar:

NM_020949.3(SLC7A14):c.527C>A (p.Thr176Asn)

Genes: SLC7A14-AS1 (SLC7A14 antisense RNA 1; plus strand), SLC7A14 (solute carrier family 7 member 14; minus strand). Cytogenetic location: 3q26.2.
Variant type: single nucleotide variant.
Coding change: c.527C>A on transcript NM_020949.3 (MANE Select); coding-DNA position 527, C replaced by A.
Protein change: p.Thr176Asn; replaces threonine 176 with asparagine.
Molecular consequence: missense variant.
Genome position (GRCh38, 1-based): chr3:170,501,123, G>T on the plus strand (C>A on the coding strand, the complement: SLC7A14 is on the minus strand). VCF-style: chr3-170501123-G-T. GRCh37 (hg19) VCF-style: chr3-170218912-G-T.
Other names: short protein forms T176N.
Identifiers: ClinVar variation 1405211 (VCV001405211.8), dbSNP rs2108280636, ClinGen allele CA355516820.
Genomic context (GRCh38, chr3:170,501,123, plus strand): 5'-CTTGGTAAGTTTGCATGTTGAGGGTAGGAGGATGTGGCAGTCTCACCCAGGCCATTGAGG[G>T]TTCCCACGCTGTCCGCCATCCAGCGGCTGATGGTGTGGTTGGCTAGTGAGTCAAACATGC-3'
Protein context (NP_066000.2, residues 166-186): ISRWMADSVG[Thr176Asn]LNGLGKGEES

ClinVar aggregate classification (germline): Uncertain significance (1 of 4 stars; one submission).

Allele frequency attached by ClinVar (database versions not stated): gnomAD exomes below 0.00001.
gnomAD v4.1: 2 of 1,614,220 alleles (0.00012%); highest among the groups gnomAD compares: Non-Finnish European, 0.00017%; no homozygotes.

Submission:

Labcorp Genetics (formerly Invitae), Labcorp
Classification: Uncertain significance. Last evaluated: 2022-09-01. Review status: criteria provided, single submitter. Criteria: Invitae Variant Classification Sherloc (09022015). Collection method: clinical testing. Allele origin: germline.
Comment: In summary, the available evidence is currently insufficient to determine the role of this variant in disease. Therefore, it has been classified as a Variant of Uncertain Significance. Algorithms developed to predict the effect of missense changes on protein structure and function (SIFT, PolyPhen-2, Align-GVGD) all suggest that this variant is likely to be tolerated. ClinVar contains an entry for this variant (Variation ID: 1405211). This variant has not been reported in the literature in individuals affected with SLC7A14-related conditions. This variant is not present in population databases (gnomAD no frequency). This sequence change replaces threonine, which is neutral and polar, with asparagine, which is neutral and polar, at codon 176 of the SLC7A14 protein (p.Thr176Asn).